The following is an entry in ClinVar:

ClinVar aggregate classification (germline): Likely benign (1 of 4 stars; one submission).

Allele frequency attached by ClinVar (database versions not stated): 1000 Genomes Project 30x 0.00016; 1000 Genomes Project 0.00020; ExAC 0.00034; TOPMed 0.00060; gnomAD 0.00062; gnomAD exomes 0.00094.
gnomAD v4.1: 1,411 of 1,550,602 alleles (0.091%); highest among the groups gnomAD compares: Non-Finnish European, 0.11%; 2 homozygotes.

Submission:

CeGaT Center for Human Genetics Tuebingen
Classification: Likely benign. Last evaluated: 2022-07-01. Review status: criteria provided, single submitter. Criteria: CeGaT Center For Human Genetics Tuebingen Variant Classification Criteria Version 2. Collection method: clinical testing. Allele origin: germline. Affected: yes. Observed: 1 variant allele.
Comment: HMCN2: BP4, BP7

NM_001291815.2(HMCN2):c.14550C>T (p.His4850=)

Gene: HMCN2 (hemicentin 2; plus strand). Cytogenetic location: 9q34.11.
Variant type: single nucleotide variant.
Coding change: c.14550C>T on transcript NM_001291815.2 (MANE Select); coding-DNA position 14550, C replaced by T.
Protein change: p.His4850=; no amino-acid change (histidine 4850 retained).
Molecular consequence: synonymous variant.
Genome position (GRCh38, 1-based): chr9:130,430,507, C>T. VCF-style: chr9-130430507-C-T. GRCh37 (hg19) VCF-style: chr9-133305894-C-T.
Identifiers: ClinVar variation 2659607 (VCV002659607.24), dbSNP rs542658004, ClinGen allele CA5282974.
Genomic context (GRCh38, chr9:130,430,507, plus strand): 5'-CCGAGGCCCTCTATTGCCCTGGCTGCGGCCCTGGGCCTCGATCCCCGGTACCTCCTACCA[C>T]GCCTGGGTCTCTCTCCGTCCGGGTCCCATGGCCCTGAGCAGTGTGGGCCGGGCCTGGTGC-3'
Protein context (NP_001278744.1, residues 4840-4860): PWASIPGTSY[His4850=]AWVSLRPGPM